The following is an entry in ClinVar:

NM_138694.4(PKHD1):c.778+2T>A

Gene: PKHD1 (PKHD1 ciliary IPT domain containing fibrocystin/polyductin; minus strand). Cytogenetic location: 6p12.2.
Variant type: single nucleotide variant.
Coding change: c.778+2T>A on transcript NM_138694.4 (MANE Select); the canonical splice donor site of the intron after coding-DNA position 778, T replaced by A.
Molecular consequence: splice donor variant.
Genome position (GRCh38, 1-based): chr6:52,069,455, A>T on the plus strand (T>A on the coding strand, the complement: PKHD1 is on the minus strand). VCF-style: chr6-52069455-A-T. GRCh37 (hg19) VCF-style: chr6-51934253-A-T.
Other names: c.778+2T>A (NM_170724.3).
Identifiers: ClinVar variation 4816754 (VCV004816754.1).

ClinVar aggregate classification (germline): Likely pathogenic (1 of 4 stars; one submission).

Conditions:
Autosomal recessive polycystic kidney disease (ARPKD). Also called: AR polycystic kidney disease. Identifiers: Orphanet 731, Orphanet 8378, MedGen C0085548, MeSH D017044, MONDO:0009889.

Submission:

Natera, Inc.
Classification: Likely pathogenic for Autosomal recessive polycystic kidney disease. Last evaluated: 2025-03-20. Review status: criteria provided, single submitter. Criteria: Natera Variant Classification Schema (03/2026). Collection method: clinical testing. Allele origin: germline.
Comment: The c.778+2T>A variant in PKHD1 is a canonical splice donor site variant predicted to affect pre-mRNA splicing, which may result in an abnormal transcript and altered protein product. This variant is expected to result in nonsense mediated decay, truncation, or a dysfunctional protein product. This variant is rare in the general population with a frequency below the threshold expected for the associated phenotype(s). Given the available evidence, this variant is classified as Likely Pathogenic.